The following is an entry in ClinVar:

ClinVar aggregate classification (germline): Uncertain significance (1 of 4 stars; one submission).

Conditions:
Congenital myotonia, autosomal recessive form. Also called: BECKER DISEASE; Becker Generalized Myotonia; myotonia congenita, autosomal recessive. Identifiers: Orphanet 614, MedGen C0751360, MONDO:0009715, OMIM 255700.
Congenital myotonia, autosomal dominant form (THD). Also called: THOMSEN DISEASE; Myotonia congenita autosomal dominant. Identifiers: Orphanet 614, MedGen C2936781, MONDO:0008055, OMIM 160800.

gnomAD v4.1: 39 of 1,613,544 alleles (0.0024%); highest among the groups gnomAD compares: South Asian, 0.041%; no homozygotes.

Submission:

Labcorp Genetics (formerly Invitae), Labcorp
Classification: Uncertain significance for Congenital myotonia, autosomal recessive form; Congenital myotonia, autosomal dominant form. Last evaluated: 2025-12-21. Review status: criteria provided, single submitter. Criteria: Invitae Variant Classification Sherloc (09022015). Collection method: clinical testing. Allele origin: germline.
Comment: This sequence change replaces methionine, which is neutral and non-polar, with isoleucine, which is neutral and non-polar, at codon 250 of the CLCN1 protein (p.Met250Ile). This variant is present in population databases (rs754934082, gnomAD 0.07%). This variant has not been reported in the literature in individuals affected with CLCN1-related conditions. ClinVar contains an entry for this variant (Variation ID: 1435871). Invitae Evidence Modeling of protein sequence and biophysical properties (such as structural, functional, and spatial information, amino acid conservation, physicochemical variation, residue mobility, and thermodynamic stability) has been performed for this missense variant. However, the output from this modeling did not meet the statistical confidence thresholds required to predict the impact of this variant on CLCN1 protein function. In summary, the available evidence is currently insufficient to determine the role of this variant in disease. Therefore, it has been classified as a Variant of Uncertain Significance.

NM_000083.3(CLCN1):c.750G>T (p.Met250Ile)

Gene: CLCN1 (chloride voltage-gated channel 1; plus strand). Cytogenetic location: 7q34.
Variant type: single nucleotide variant.
Coding change: c.750G>T on transcript NM_000083.3 (MANE Select); coding-DNA position 750, G replaced by T.
Protein change: p.Met250Ile; replaces methionine 250 with isoleucine.
Molecular consequence: missense variant. On other transcripts: non-coding transcript variant (1).
Genome position (GRCh38, 1-based): chr7:143,323,362, G>T. VCF-style: chr7-143323362-G-T. GRCh37 (hg19) VCF-style: chr7-143020455-G-T.
Other names: short protein forms M250I.
Identifiers: ClinVar variation 1435871 (VCV001435871.6), dbSNP rs754934082, ClinGen allele CA4537068.